The following is an entry in ClinVar:

ClinVar aggregate classification (germline): Uncertain significance (0 of 4 stars; one submission).

Conditions:
HOXB13-related disorder. Also called: HOXB13-related condition; HOXB13-related disorders.

Submission:

PreventionGenetics, part of Exact Sciences
Classification: Uncertain significance for HOXB13-related condition. Last evaluated: 2023-10-25. Review status: no assertion criteria provided. Collection method: clinical testing. Allele origin: germline.
Comment: The HOXB13 c.654G>T variant is predicted to result in the amino acid substitution p.Lys218Asn. To our knowledge, this variant has not been reported in the literature or in a large population database, indicating this variant is rare. At this time, the clinical significance of this variant is uncertain due to the absence of conclusive functional and genetic evidence.

NM_006361.6(HOXB13):c.654G>T (p.Lys218Asn)

Gene: HOXB13 (homeobox B13; minus strand). Cytogenetic location: 17q21.32.
Variant type: single nucleotide variant.
Coding change: c.654G>T on transcript NM_006361.6 (MANE Select); coding-DNA position 654, G replaced by T.
Protein change: p.Lys218Asn; replaces lysine 218 with asparagine.
Molecular consequence: missense variant.
Genome position (GRCh38, 1-based): chr17:48,726,991, C>A on the plus strand (G>T on the coding strand, the complement: HOXB13 is on the minus strand). VCF-style: chr17-48726991-C-A. GRCh37 (hg19) VCF-style: chr17-46804353-C-A.
Other names: short protein forms K218N.
Identifiers: ClinVar variation 3033133 (VCV003033133.2), dbSNP rs1597932894, ClinGen allele CA400106840.